The following is an entry in ClinVar:

ClinVar aggregate classification (germline): Uncertain significance (1 of 4 stars; one submission).

Conditions:
Hereditary nonpolyposis colorectal neoplasms. Identifiers: MedGen C0009405, MeSH D003123.

Submission:

Labcorp Genetics (formerly Invitae), Labcorp
Classification: Uncertain significance for Hereditary nonpolyposis colorectal neoplasms. Last evaluated: 2024-07-29. Review status: criteria provided, single submitter. Criteria: Invitae Variant Classification Sherloc (09022015). Collection method: clinical testing. Allele origin: germline.
Comment: This sequence change falls in intron 9 of the MSH6 gene. It does not directly change the encoded amino acid sequence of the MSH6 protein. This variant is not present in population databases (gnomAD no frequency). This variant has not been reported in the literature in individuals affected with MSH6-related conditions. ClinVar contains an entry for this variant (Variation ID: 2023334). In summary, the available evidence is currently insufficient to determine the role of this variant in disease. Therefore, it has been classified as a Variant of Uncertain Significance.

NM_000179.3(MSH6):c.4001+9_4001+10insCTAACTATAATGGAATTATAACTAACTGACCTTAAGTTTCAAAGAAACAGTAAAAGGGGAAGGGATGATGCACTATGAAAAAACAAAAAAACTTTTTTTTTTTTTTTT

Gene: MSH6 (mutS homolog 6; plus strand). Cytogenetic location: 2p16.3.
Variant type: Insertion.
Coding change: c.4001+9_4001+10insCTAACTATAATGGAATTATAACTAACTGACCTTAAGTTTCAAAGAAACAGTAAAAGGGGAAGGGATGATGCACTATGAAAAAACAAAAAAACTTTTTTTTTTTTTTTT on transcript NM_000179.3 (MANE Select); bases 9 to 10 of the intron after coding-DNA position 4001, CTAACTATAATGGAATTATAACTAACTGACCTTAAGTTTCAAAGAAACAGTAAAAGGGGAAGGGATGATGCACTATGAAAAAACAAAAAAACTTTTTTTTTTTTTTTT inserted.
Molecular consequence: intron variant.
Genome position: GRCh38: chr2:47,806,660-47,806,661. GRCh37 (hg19): chr2:48,033,799-48,033,800.
Other names: c.3095+9_3095+10insCTAACTATAATGGAATTATAACTAACTGACCTTAAGTTTCAAAGAAACAGTAAAAGGGGAAGGGATGATGCACTATGAAAAAACAAAAAAACTTTTTTTTTTTTTTTT (NM_001281493.2, NM_001281494.2); c.3611+9_3611+10insCTAACTATAATGGAATTATAACTAACTGACCTTAAGTTTCAAAGAAACAGTAAAAGGGGAAGGGATGATGCACTATGAAAAAACAAAAAAACTTTTTTTTTTTTTTTT (NM_001281492.2).
Identifiers: ClinVar variation 2023334 (VCV002023334.4), dbSNP rs2530880485, ClinGen allele CA2580067563.